The following is an entry in ClinVar:

NM_006371.5(CRTAP):c.684C>G (p.Asp228Glu)

Gene: CRTAP (cartilage associated protein; plus strand). Cytogenetic location: 3p22.3.
Variant type: single nucleotide variant.
Coding change: c.684C>G on transcript NM_006371.5 (MANE Select); coding-DNA position 684, C replaced by G.
Protein change: p.Asp228Glu; replaces aspartic acid 228 with glutamic acid.
Molecular consequence: missense variant.
Genome position (GRCh38, 1-based): chr3:33,124,470, C>G. VCF-style: chr3-33124470-C-G. GRCh37 (hg19) VCF-style: chr3-33165962-C-G.
Other names: c.684C>G, p.Asp228Glu (NM_001393363.1, NM_001393364.1); c.534C>G, p.Asp178Glu (NM_001393365.1); short protein forms D178E, D228E.
Identifiers: ClinVar variation 1921618 (VCV001921618.5), dbSNP rs2471573964, ClinGen allele CA352009398.
Genomic context (GRCh38, chr3:33,124,470, plus strand): 5'-CCTGTTCATCCGAGCAGTGCGGGCATACAACGGTGAGAACTGGAGAACATCCATCACAGA[C>G]ATGGAGCTGGCCCTTCCCGACTTCTTCAAAGCCTTTTACGAGTGTCTCGCAGCCTGCGAG-3'
Protein context (NP_006362.1, residues 218-238): NGENWRTSIT[Asp228Glu]MELALPDFFK

ClinVar aggregate classification (germline): Uncertain significance (1 of 4 stars; one submission).

Conditions:
Osteogenesis imperfecta type 7 (OI7). Also called: OSTEOGENESIS IMPERFECTA, TYPE IIB; Osteogenesis imperfecta type 2B; OI type 2B; Osteogenesis imperfecta, perinatal lethal autosomal recessive; OI type IIB; OI type 7. Identifiers: MedGen C1853162, MONDO:0012536, OMIM 610682.

Allele frequency attached by ClinVar (database versions not stated): gnomAD exomes below 0.00001.
gnomAD v4.1: 4 of 1,614,216 alleles (0.00025%); highest among the groups gnomAD compares: Middle Eastern, 0.016%; no homozygotes.

Submission:

Labcorp Genetics (formerly Invitae), Labcorp
Classification: Uncertain significance for Osteogenesis imperfecta type 7. Last evaluated: 2025-09-08. Review status: criteria provided, single submitter. Criteria: Invitae Variant Classification Sherloc (09022015). Collection method: clinical testing. Allele origin: germline.
Comment: This sequence change replaces aspartic acid, which is acidic and polar, with glutamic acid, which is acidic and polar, at codon 228 of the CRTAP protein (p.Asp228Glu). This variant is not present in population databases (gnomAD no frequency). This variant has not been reported in the literature in individuals affected with CRTAP-related conditions. ClinVar contains an entry for this variant (Variation ID: 1921618). Invitae Evidence Modeling of protein sequence and biophysical properties (such as structural, functional, and spatial information, amino acid conservation, physicochemical variation, residue mobility, and thermodynamic stability) indicates that this missense variant is not expected to disrupt CRTAP protein function with a negative predictive value of 80%. In summary, the available evidence is currently insufficient to determine the role of this variant in disease. Therefore, it has been classified as a Variant of Uncertain Significance.